The following is an entry in ClinVar:

ClinVar aggregate classification (germline): Pathogenic/Likely pathogenic. Review status: criteria provided, multiple submitters, no conflicts (2 of 4 stars). 4 submissions from 4 submitters: Pathogenic (2); Likely pathogenic (2). Last evaluated 2023-11-04.

Conditions:
USH2A-related disorder. Also called: USH2A-related condition; USH2A-related disorders. Identifiers: MedGen CN239332.
Retinitis pigmentosa 39 (RP39). Identifiers: Orphanet 791, MedGen C3151138, MONDO:0013436, OMIM 613809.

Allele frequency attached by ClinVar (database versions not stated): gnomAD exomes below 0.00001.

Submissions (4):

Genome-Nilou Lab
Classification: Likely pathogenic for Retinitis pigmentosa 39. Last evaluated: 2023-11-04. Review status: criteria provided, single submitter. Criteria: ACMG Guidelines, 2015. Collection method: clinical testing. Allele origin: germline. Affected: no.

Labcorp Genetics (formerly Invitae), Labcorp
Classification: Pathogenic. Last evaluated: 2020-12-15. Review status: criteria provided, single submitter. Criteria: Invitae Variant Classification Sherloc (09022015). Collection method: clinical testing. Allele origin: germline.
Comment: This sequence change creates a premature translational stop signal (p.Pro884Alafs*9) in the USH2A gene. It is expected to result in an absent or disrupted protein product. Loss-of-function variants in USH2A are known to be pathogenic (PMID: 10729113, 10909849, 20507924, 25649381). For these reasons, this variant has been classified as Pathogenic. This variant has not been reported in the literature in individuals with USH2A-related conditions. ClinVar contains an entry for this variant (Variation ID: 866539). This variant is not present in population databases (ExAC no frequency).

Institute of Medical Genetics and Applied Genomics, University Hospital Tübingen
Classification: Pathogenic. Last evaluated: 2020-10-23. Review status: criteria provided, single submitter. Criteria: ACMG Guidelines, 2015. Collection method: clinical testing. Allele origin: germline. Inheritance: Autosomal recessive inheritance. Affected: yes.

Blueprint Genetics
Classification: Likely pathogenic for USH2A-related disorders. Last evaluated: 2019-01-28. Review status: criteria provided, single submitter. Criteria: ACMG Guidelines, 2015. Collection method: clinical testing. Allele origin: germline. Affected: yes. Observed: 1 variant allele.

Literature cited by the submitters: PubMed 10729113 (cited by Labcorp Genetics (formerly Invitae), Labcorp); PubMed 10909849 (cited by Labcorp Genetics (formerly Invitae), Labcorp); PubMed 20507924 (cited by Labcorp Genetics (formerly Invitae), Labcorp); PubMed 25649381 (cited by Labcorp Genetics (formerly Invitae), Labcorp).

NM_206933.4(USH2A):c.2649dup (p.Pro884fs)

Genes: USH2A (usherin; minus strand), LOC122152296 (Sharpr-MPRA regulatory region 8762; plus strand). Cytogenetic location: 1q41.
Variant type: Duplication.
Coding change: c.2649dup on transcript NM_206933.4 (MANE Select); coding-DNA position 2649, one base duplicated (G; older notation c.2649dupG).
Protein change: p.Pro884fs; shifts the reading frame from proline 884.
Molecular consequence: frameshift variant.
Genome position (GRCh38, 1-based): chr1:216,246,745, C duplicated on the plus strand (G on the coding strand, the reverse complement: USH2A is on the minus strand). VCF-style (leftmost placement, unchanged base first): chr1-216246744-G-GC. GRCh37 (hg19) VCF-style: chr1-216420086-G-GC.
Other names: c.2649dup, p.Pro884fs (NM_007123.6); short protein forms P884fs.
Identifiers: ClinVar variation 866539 (VCV000866539.11), dbSNP rs2036054600, ClinGen allele CA916082143.
Genomic context (GRCh38, chr1:216,246,744, plus strand): 5'-AATCACACTCACACATCTGGCAGTGTTGAAAATTGTCAATGGTCAAATTGTACCTGTGAG[G>GC]CTCACACTGATTACAGCGAAGACCTGTTACCCCTAATTTGCAAGGACATTGTCCTGTTGA-3'